The following is an entry in ClinVar:

NM_001368894.2(PAX6):c.350G>C (p.Arg117Pro)

Gene: PAX6 (paired box 6; minus strand). Cytogenetic location: 11p13.
Variant type: single nucleotide variant.
Coding change: c.350G>C on transcript NM_001368894.2 (MANE Select); coding-DNA position 350, G replaced by C.
Protein change: p.Arg117Pro; replaces arginine 117 with proline.
Molecular consequence: missense variant. On other transcripts: 5 prime UTR variant (14), non-coding transcript variant (2), intron variant (8).
Genome position (GRCh38, 1-based): chr11:31,801,610, C>G on the plus strand (G>C on the coding strand, the complement: PAX6 is on the minus strand). VCF-style: chr11-31801610-C-G. GRCh37 (hg19) VCF-style: chr11-31823158-C-G.
Other names: c.308G>C, p.Arg103Pro (NM_000280.6, NM_001127612.3, NM_001258464.2 and 10 more transcripts); c.350G>C, p.Arg117Pro (NM_001258462.3, NM_001258463.2, NM_001310158.2 and 6 more transcripts); c.-432G>C (NM_001310160.2, NM_001368902.2, NM_001368905.2); c.-101G>C (NM_001310161.3, NM_001368899.2, NM_001368900.2 and 8 more transcripts); c.551G>C, p.Arg184Pro (NM_001368910.2); c.353G>C, p.Arg118Pro (NM_001368911.2); c.425G>C, p.Arg142Pro (NM_001368918.2, NM_001368919.2); c.383G>C, p.Arg128Pro (NM_001368920.2); and 2 more; short protein forms R118P, R128P, R142P, R103P, R117P, R184P.
Identifiers: ClinVar variation 1993299 (VCV001993299.4), dbSNP rs1447006042, ClinGen allele CA379958540.

ClinVar aggregate classification (germline): Uncertain significance (1 of 4 stars; one submission).

Conditions:
Aniridia 1 (AN1). Identifiers: Orphanet 250923, MedGen C0344542, MONDO:0024507, OMIM 106210.
Irido-corneo-trabecular dysgenesis (ASGD5). Also called: ANTERIOR SEGMENT DYSGENESIS 5. Identifiers: Orphanet 708, MedGen C0344559, MONDO:0011414, OMIM 604229, HP:0000659.

Submission:

Labcorp Genetics (formerly Invitae), Labcorp
Classification: Uncertain significance for Aniridia 1; Irido-corneo-trabecular dysgenesis. Last evaluated: 2022-08-16. Review status: criteria provided, single submitter. Criteria: Invitae Variant Classification Sherloc (09022015). Collection method: clinical testing. Allele origin: germline.
Comment: In summary, the available evidence is currently insufficient to determine the role of this variant in disease. Therefore, it has been classified as a Variant of Uncertain Significance. Advanced modeling of protein sequence and biophysical properties (such as structural, functional, and spatial information, amino acid conservation, physicochemical variation, residue mobility, and thermodynamic stability) performed at Invitae indicates that this missense variant is expected to disrupt PAX6 protein function. This variant has not been reported in the literature in individuals affected with PAX6-related conditions. This variant is not present in population databases (gnomAD no frequency). This sequence change replaces arginine, which is basic and polar, with proline, which is neutral and non-polar, at codon 103 of the PAX6 protein (p.Arg103Pro).